The following is an entry in ClinVar:

NM_004044.7(ATIC):c.347C>G (p.Thr116Ser)

Gene: ATIC (5-aminoimidazole-4-carboxamide ribonucleotide formyltransferase/IMP cyclohydrolase; plus strand). Cytogenetic location: 2q35.
Variant type: single nucleotide variant.
Coding change: c.347C>G on transcript NM_004044.7 (MANE Select); coding-DNA position 347, C replaced by G.
Protein change: p.Thr116Ser; replaces threonine 116 with serine.
Molecular consequence: missense variant.
Genome position (GRCh38, 1-based): chr2:215,325,297, C>G. VCF-style: chr2-215325297-C-G. GRCh37 (hg19) VCF-style: chr2-216190020-C-G.
Other names: c.347C>G (NM_004044.6); short protein forms T116S.
Identifiers: ClinVar variation 801893 (VCV000801893.16), dbSNP rs2372536, ClinGen allele CA2092922.

ClinVar aggregate classification (germline): Benign. Review status: criteria provided, multiple submitters, no conflicts (2 of 4 stars). 5 submissions from 5 submitters: Benign (4). 1 of the submissions does not count toward it. Last evaluated 2026-02-01.

Conditions:
AICA-ribosiduria. Also called: AICA-ribosiduria due to ATIC deficiency; ATIC DEFICIENCY. Identifiers: Orphanet 250977, MedGen C1837530, MONDO:0012099, OMIM 608688.
ATIC-related disorder. Also called: ATIC-related condition.

Allele frequency attached by ClinVar (database versions not stated): gnomAD 0.25724 and 0.24863; ESP Exome Variant Server 0.24681; ExAC 0.32347; gnomAD exomes 0.32522 and 0.32548; 1000 Genomes Project 30x 0.26983; TOPMed 0.25251; 1000 Genomes Project 0.27776.
gnomAD v4.1: 513,864 of 1,610,906 alleles (32%); highest among the groups gnomAD compares: South Asian, 47%; 86,062 homozygotes.

Submissions (15):

Labcorp Genetics (formerly Invitae), Labcorp
Classification: Benign. Last evaluated: 2026-02-01. Review status: criteria provided, single submitter. Criteria: Invitae Variant Classification Sherloc (09022015). Collection method: clinical testing. Allele origin: germline.

Genome-Nilou Lab
Classification: Benign for AICA-ribosiduria. Last evaluated: 2021-07-14. Review status: criteria provided, single submitter. Criteria: ACMG Guidelines, 2015. Collection method: clinical testing. Allele origin: germline. Affected: no.

Mendelics
Classification: Benign for AICA-ribosiduria. Last evaluated: 2019-05-28. Review status: criteria provided, single submitter. Criteria: Mendelics Assertion Criteria 2017. Collection method: clinical testing. Allele origin: unknown.

Breakthrough Genomics
Classification: Benign. Review status: criteria provided, single submitter. Criteria: ACMG Guidelines, 2015. Collection method: not provided. Allele origin: germline. Inheritance: Autosomal recessive inheritance. Affected: yes.

PreventionGenetics, part of Exact Sciences
Classification: Benign for ATIC-related condition. Last evaluated: 2019-10-18. Review status: no assertion criteria provided. Collection method: clinical testing. Allele origin: germline. Not counted in ClinVar's aggregate classification.
Comment: This variant is classified as benign based on ACMG/AMP sequence variant interpretation guidelines (Richards et al. 2015 PMID: 25741868, with internal and published modifications).

Dr. Peter K. Rogan Lab, Western University
No classification provided (evidence only). Condition: Malignant lymphoma, large B-cell, diffuse. Review status: no classification provided. Collection method: in vitro. Allele origin: not applicable. Functional consequence: retained intron. Not counted in ClinVar's aggregate classification.

Dr. Peter K. Rogan Lab, Western University
No classification provided (evidence only). Condition: Malignant lymphoma, large B-cell, diffuse. Review status: no classification provided. Collection method: in vitro. Allele origin: not applicable. Functional consequence: retained intron. Not counted in ClinVar's aggregate classification.

Dr. Peter K. Rogan Lab, Western University
No classification provided (evidence only). Condition: Malignant lymphoma, large B-cell, diffuse. Review status: no classification provided. Collection method: in vitro. Allele origin: not applicable. Functional consequence: retained intron. Not counted in ClinVar's aggregate classification.

Dr. Peter K. Rogan Lab, Western University
No classification provided (evidence only). Condition: Malignant lymphoma, large B-cell, diffuse. Review status: no classification provided. Collection method: in vitro. Allele origin: not applicable. Functional consequence: retained intron. Not counted in ClinVar's aggregate classification.

Dr. Peter K. Rogan Lab, Western University
No classification provided (evidence only). Condition: Malignant lymphoma, large B-cell, diffuse. Review status: no classification provided. Collection method: in vitro. Allele origin: not applicable. Functional consequence: retained intron. Not counted in ClinVar's aggregate classification.

Dr. Peter K. Rogan Lab, Western University
No classification provided (evidence only). Condition: Malignant lymphoma, large B-cell, diffuse. Review status: no classification provided. Collection method: in vitro. Allele origin: not applicable. Functional consequence: retained intron. Not counted in ClinVar's aggregate classification.

Dr. Peter K. Rogan Lab, Western University
No classification provided (evidence only). Condition: Malignant lymphoma, large B-cell, diffuse. Review status: no classification provided. Collection method: in vitro. Allele origin: not applicable. Functional consequence: retained intron. Not counted in ClinVar's aggregate classification.

Dr. Peter K. Rogan Lab, Western University
No classification provided (evidence only). Condition: Malignant lymphoma, large B-cell, diffuse. Review status: no classification provided. Collection method: in vitro. Allele origin: not applicable. Functional consequence: retained intron. Not counted in ClinVar's aggregate classification.

Dr. Peter K. Rogan Lab, Western University
No classification provided (evidence only). Condition: Malignant lymphoma, large B-cell, diffuse. Review status: no classification provided. Collection method: in vitro. Allele origin: not applicable. Functional consequence: retained intron. Not counted in ClinVar's aggregate classification.

Dr. Peter K. Rogan Lab, Western University
No classification provided (evidence only). Condition: Malignant lymphoma, large B-cell, diffuse. Review status: no classification provided. Collection method: in vitro. Allele origin: not applicable. Functional consequence: retained intron. Not counted in ClinVar's aggregate classification.